The following is an entry in ClinVar:

ClinVar aggregate classification (germline): Uncertain significance. Review status: criteria provided, multiple submitters, no conflicts (2 of 4 stars). 2 submissions from 2 submitters: Uncertain significance (2). Last evaluated 2021-12-03.

Conditions:
Episodic ataxia type 2 (EA2). Also called: ATAXIA, EPISODIC, WITH NYSTAGMUS; ATAXIA, FAMILIAL PAROXYSMAL; CEREBELLAR ATAXIA, PAROXYSMAL, ACETAZOLAMIDE-RESPONSIVE; CEREBELLOPATHY, HEREDITARY PAROXYSMAL; ACETAZOLAMIDE-RESPONSIVE HEREDITARY PAROXYSMAL CEREBELLAR ATAXIA; EPISODIC ATAXIA, NYSTAGMUS-ASSOCIATED. Identifiers: Orphanet 97, MedGen C1720416, MONDO:0007163, OMIM 108500.
Developmental and epileptic encephalopathy, 42 (DEE42A). Also called: DEVELOPMENTAL AND EPILEPTIC ENCEPHALOPATHY 42A; EPILEPTIC ENCEPHALOPATHY, EARLY INFANTILE, 42A; Epileptic encephalopathy, early infantile, 42. Identifiers: MedGen C4310716, MONDO:0014917, OMIM 617106.
Migraine, familial hemiplegic, 1. Also called: MIGRAINE, FAMILIAL HEMIPLEGIC 1, WITH PROGRESSIVE CEREBELLAR ATAXIA. Identifiers: Orphanet 569, MedGen C1832884, MONDO:0020756, OMIM 141500, MONDO:0007714.

gnomAD v4.1: 1 of 1,537,462 alleles (0.000065%); highest among the groups gnomAD compares: Non-Finnish European, 0.000087%; no homozygotes.

Submissions (2):

Labcorp Genetics (formerly Invitae), Labcorp
Classification: Uncertain significance for Developmental and epileptic encephalopathy, 42; Episodic ataxia type 2. Last evaluated: 2021-12-03. Review status: criteria provided, single submitter. Criteria: Invitae Variant Classification Sherloc (09022015). Collection method: clinical testing. Allele origin: germline.
Comment: This sequence change replaces aspartic acid, which is acidic and polar, with asparagine, which is neutral and polar, at codon 2190 of the CACNA1A protein (p.Asp2190Asn). In summary, the available evidence is currently insufficient to determine the role of this variant in disease. Therefore, it has been classified as a Variant of Uncertain Significance. Advanced modeling of protein sequence and biophysical properties (such as structural, functional, and spatial information, amino acid conservation, physicochemical variation, residue mobility, and thermodynamic stability) performed at Invitae indicates that this missense variant is not expected to disrupt CACNA1A protein function. This variant has not been reported in the literature in individuals affected with CACNA1A-related conditions. This variant is not present in population databases (gnomAD no frequency).

Neuberg Centre For Genomic Medicine, NCGM
Classification: Uncertain significance for Migraine, familial hemiplegic, 1. Review status: criteria provided, single submitter. Criteria: ACMG Guidelines, 2015. Collection method: clinical testing. Allele origin: germline. Inheritance: Autosomal dominant inheritance. Affected: yes.
Comment: The missense variant c.6565G>A (p.Asp2189Asn) in CACNA1A gene has been submitted to ClinVar as a Variant of Uncertain Significance, but no details are available for independent assessment. The variant is novel (not in any individuals) in gnomAD Exomes and 1000 Genomes. The amino acid Asp at position 2189 is changed to a Asn changing protein sequence and it might alter its composition and physico-chemical properties.. The amino acid change p.Asp2189Asn in CACNA1A is predicted as conserved by GERP++ and PhyloP across 100 vertebrates. For these reasons, this variant has been classified as Uncertain significance.

NM_001127222.2(CACNA1A):c.6565G>A (p.Asp2189Asn)

Gene: CACNA1A (calcium voltage-gated channel subunit alpha1 A; minus strand). Cytogenetic location: 19p13.13.
Variant type: single nucleotide variant.
Coding change: c.6565G>A on transcript NM_001127222.2 (MANE Select); coding-DNA position 6565, G replaced by A.
Protein change: p.Asp2189Asn; replaces aspartic acid 2189 with asparagine.
Molecular consequence: missense variant.
Genome position (GRCh38, 1-based): chr19:13,208,971, C>T on the plus strand (G>A on the coding strand, the complement: CACNA1A is on the minus strand). VCF-style: chr19-13208971-C-T. GRCh37 (hg19) VCF-style: chr19-13319785-C-T.
Other names: c.6583G>A, p.Asp2195Asn (NM_000068.4, NM_023035.3); c.6568G>A, p.Asp2190Asn (NM_001127221.2); c.6574G>A, p.Asp2192Asn (NM_001174080.2); short protein forms D2190N, D2189N, D2192N, D2195N.
Identifiers: ClinVar variation 1514441 (VCV001514441.8), dbSNP rs2144502827, ClinGen allele CA404330620.